The following is an entry in ClinVar:

NM_003579.4(RAD54L):c.1891A>C (p.Ile631Leu)

Genes: LRRC41 (leucine rich repeat containing 41; minus strand), RAD54L (RAD54 like; plus strand). Cytogenetic location: 1p34.1.
Variant type: single nucleotide variant.
Coding change: c.1891A>C on transcript NM_003579.4 (MANE Select); coding-DNA position 1891, A replaced by C.
Protein change: p.Ile631Leu; replaces isoleucine 631 with leucine.
Molecular consequence: missense variant. On other transcripts: 3 prime UTR variant (1).
Genome position (GRCh38, 1-based): chr1:46,277,838, A>C. VCF-style: chr1-46277838-A-C. GRCh37 (hg19) VCF-style: chr1-46743510-A-C.
Other names: c.*1027T>G (NM_006369.5); c.1891A>C, p.Ile631Leu (NM_001142548.2); c.1351A>C, p.Ile451Leu (NM_001370766.1); short protein forms I631L, I451L.
Identifiers: ClinVar variation 3312460 (VCV003312460.1).

ClinVar aggregate classification (germline): Uncertain significance (1 of 4 stars; one submission).

Submission:

Ambry Genetics
Classification: Uncertain significance. Last evaluated: 2024-04-19. Review status: criteria provided, single submitter. Criteria: Ambry Variant Classification Scheme 2023. Collection method: clinical testing. Allele origin: germline.
Comment: The p.I631L variant (also known as c.1891A>C), located in coding exon 17 of the RAD54L gene, results from an A to C substitution at nucleotide position 1891. The isoleucine at codon 631 is replaced by leucine, an amino acid with highly similar properties. This amino acid position is conserved. In addition, the in silico prediction for this alteration is inconclusive. Based on the available evidence, the clinical significance of this variant remains unclear.